The following is an entry in ClinVar:

ClinVar aggregate classification (germline): Uncertain significance. Review status: criteria provided, multiple submitters, no conflicts (2 of 4 stars). 2 submissions from 2 submitters: Uncertain significance (2). Last evaluated 2024-12-25.

Conditions:
Propionic acidemia (PROP). Also called: GLYCINEMIA, KETOTIC; HYPERGLYCINEMIA WITH KETOACIDOSIS AND LEUKOPENIA; KETOTIC HYPERGLYCINEMIA. Identifiers: Orphanet 35, MedGen C0268579, MONDO:0011628, OMIM 606054, HP:0003571.
Inborn genetic diseases. Identifiers: MedGen C0950123, MeSH D030342.

gnomAD v4.1: 1 of 1,514,628 alleles (0.000066%); highest among the groups gnomAD compares: Non-Finnish European, 0.000092%; no homozygotes.

Submissions (2):

Ambry Genetics
Classification: Uncertain significance for Inborn genetic diseases. Last evaluated: 2024-12-25. Review status: criteria provided, single submitter. Criteria: Ambry Variant Classification Scheme 2023. Collection method: clinical testing. Allele origin: germline.

Labcorp Genetics (formerly Invitae), Labcorp
Classification: Uncertain significance for Propionic acidemia. Last evaluated: 2021-09-30. Review status: criteria provided, single submitter. Criteria: Invitae Variant Classification Sherloc (09022015). Collection method: clinical testing. Allele origin: germline.
Comment: This sequence change replaces isoleucine with methionine at codon 264 of the PCCA protein (p.Ile264Met). The isoleucine residue is highly conserved and there is a small physicochemical difference between isoleucine and methionine. This variant is not present in population databases (ExAC no frequency). This variant has not been reported in the literature in individuals with PCCA-related disease. Algorithms developed to predict the effect of missense changes on protein structure and function are either unavailable or do not agree on the potential impact of this missense change (SIFT: "Deleterious"; PolyPhen-2: "Probably Damaging"; Align-GVGD: "Class C0"). In summary, the available evidence is currently insufficient to determine the role of this variant in disease. Therefore, it has been classified as a Variant of Uncertain Significance.

NM_000282.4(PCCA):c.792T>G (p.Ile264Met)

Gene: PCCA (propionyl-CoA carboxylase subunit alpha; plus strand). Cytogenetic location: 13q32.3.
Variant type: single nucleotide variant.
Coding change: c.792T>G on transcript NM_000282.4 (MANE Select); coding-DNA position 792, T replaced by G.
Protein change: p.Ile264Met; replaces isoleucine 264 with methionine.
Molecular consequence: missense variant. On other transcripts: 5 prime UTR variant (3), non-coding transcript variant (5).
Genome position (GRCh38, 1-based): chr13:100,262,804, T>G. VCF-style: chr13-100262804-T-G. GRCh37 (hg19) VCF-style: chr13-100915058-T-G.
Other names: c.714T>G, p.Ile238Met (NM_001127692.3, NM_001352607.2, NM_001352608.2); c.792T>G, p.Ile264Met (NM_001178004.2, NM_001352605.2, NM_001352606.2 and 1 more transcripts); c.-154T>G (NM_001352610.2, NM_001352611.2, NM_001352612.2); c.792T>G (NM_000282.3); short protein forms I238M, I264M.
Identifiers: ClinVar variation 1375019 (VCV001375019.7), dbSNP rs1484956776, ClinGen allele CA388694372.